The following is an entry in ClinVar:

ClinVar aggregate classification (germline): Uncertain significance (1 of 4 stars; one submission).

Submission:

Labcorp Genetics (formerly Invitae), Labcorp
Classification: Uncertain significance. Last evaluated: 2022-01-13. Review status: criteria provided, single submitter. Criteria: Invitae Variant Classification Sherloc (09022015). Collection method: clinical testing. Allele origin: germline.
Comment: In summary, the available evidence is currently insufficient to determine the role of this variant in disease. Therefore, it has been classified as a Variant of Uncertain Significance. Algorithms developed to predict the effect of missense changes on protein structure and function are either unavailable or do not agree on the potential impact of this missense change (SIFT: "Not Available"; PolyPhen-2: "Possibly Damaging"; Align-GVGD: "Not Available"). This variant has not been reported in the literature in individuals affected with CIB2-related conditions. This variant is not present in population databases (gnomAD no frequency). This sequence change replaces alanine with glutamic acid at codon 108 of the CIB2 protein (p.Ala108Glu). The alanine residue is highly conserved and there is a moderate physicochemical difference between alanine and glutamic acid.

NM_006383.4(CIB2):c.323C>A (p.Ala108Glu)

Gene: CIB2 (calcium and integrin binding family member 2; minus strand). Cytogenetic location: 15q25.1.
Variant type: single nucleotide variant.
Coding change: c.323C>A on transcript NM_006383.4 (MANE Select); coding-DNA position 323, C replaced by A.
Protein change: p.Ala108Glu; replaces alanine 108 with glutamic acid.
Molecular consequence: missense variant. On other transcripts: non-coding transcript variant (1).
Genome position (GRCh38, 1-based): chr15:78,109,258, G>T on the plus strand (C>A on the coding strand, the complement: CIB2 is on the minus strand). VCF-style: chr15-78109258-G-T. GRCh37 (hg19) VCF-style: chr15-78401600-G-T.
Other names: c.194C>A, p.Ala65Glu (NM_001271888.2); c.176C>A, p.Ala59Glu (NM_001271889.2); c.338C>A, p.Ala113Glu (NM_001301224.2); short protein forms A108E, A113E, A65E, A59E.
Identifiers: ClinVar variation 1503724 (VCV001503724.6), dbSNP rs1316881766, ClinGen allele CA393546768.
Genomic context (GRCh38, chr15:78,109,258, plus strand): 5'-ACCGCATATTCAGGCCCCCTCCTCTAGCCCTGGTTACCATAGATCTTGAAGGCATAGTTT[G>T]CCTTGAGCTCTCGGGGAGCCGACTCGCAGAGCACGGAAAACATGTCCACAAAGTCGTTGA-3'
Protein context (NP_006374.1, residues 98-118): LCESAPRELK[Ala108Glu]NYAFKIYDFN